The following is an entry in ClinVar:

NM_000548.5(TSC2):c.281C>T (p.Pro94Leu)

Gene: TSC2 (TSC complex subunit 2; plus strand). Cytogenetic location: 16p13.3.
Variant type: single nucleotide variant.
Coding change: c.281C>T on transcript NM_000548.5 (MANE Select); coding-DNA position 281, C replaced by T.
Protein change: p.Pro94Leu; replaces proline 94 with leucine.
Molecular consequence: missense variant. On other transcripts: intron variant (2).
Genome position (GRCh38, 1-based): chr16:2,053,397, C>T. VCF-style: chr16-2053397-C-T. GRCh37 (hg19) VCF-style: chr16-2103398-C-T.
Other names: c.281C>T (NM_000548.4); c.281C>T, p.Pro94Leu (NM_001077183.3, NM_001114382.3, NM_001363528.2 and 3 more transcripts); c.134C>T, p.Pro45Leu (NM_001318829.2); c.314C>T, p.Pro105Leu (NM_001318832.2); c.226-899C>T (NM_001318827.2); c.-1-2799C>T (NM_001318831.2); short protein forms P94L, P105L, P45L.
Identifiers: ClinVar variation 406038 (VCV000406038.22), dbSNP rs200045926, ClinGen allele CA042049.

ClinVar aggregate classification (germline): Conflicting classifications of pathogenicity. Review status: criteria provided, conflicting classifications (1 of 4 stars). 6 submissions from 6 submitters: Uncertain significance (4); Likely benign (1). 1 of the submissions does not count toward it. Last evaluated 2026-01-18.

Conditions:
Isolated focal cortical dysplasia type II (FCORD2). Also called: CORTICAL DYSPLASIA OF TAYLOR; Focal cortical dysplasia type II. Identifiers: Orphanet 268994, MedGen C1846385, MONDO:0011818, OMIM 607341, HP:0032051.
Lymphangiomyomatosis (LAM). Also called: Lymphangioleiomyomatosis, somatic; Lymphangioleiomyomatosis. Identifiers: Orphanet 538, MedGen C0751674, MONDO:0011705, OMIM 606690.
Tuberous sclerosis 2 (TSC2). Identifiers: Orphanet 805, MedGen C1860707, MONDO:0013199, OMIM 613254.
TSC2-related disorder. Also called: TSC2-Related Disorders; TSC2-related condition.
Hereditary cancer-predisposing syndrome. Also called: Tumor predisposition; Neoplastic Syndromes, Hereditary; Hereditary Cancer Syndrome; Hereditary neoplastic syndrome. Identifiers: Orphanet 140162, MedGen C0027672, MeSH D009386, MONDO:0015356.
Tuberous sclerosis syndrome (TSC). Also called: Tuberous Sclerosis Complex; Tuberous sclerosis. Identifiers: Orphanet 805, MedGen C0041341, MONDO:0001734.

Allele frequency attached by ClinVar (database versions not stated): ExAC below 0.00001; gnomAD 0.00001 and 0.00002; gnomAD exomes 0.00001; TOPMed 0.00002; 1000 Genomes Project 0.00020; 1000 Genomes Project 30x 0.00031.
gnomAD v4.1: 11 of 1,592,164 alleles (0.00069%); highest among the groups gnomAD compares: African/African-American, 0.004%; no homozygotes.

Submissions (6):

Labcorp Genetics (formerly Invitae), Labcorp
Classification: Likely benign for Tuberous sclerosis 2. Last evaluated: 2026-01-18. Review status: criteria provided, single submitter. Criteria: Invitae Variant Classification Sherloc (09022015). Collection method: clinical testing. Allele origin: germline.

Ambry Genetics
Classification: Uncertain significance for Hereditary cancer-predisposing syndrome. Last evaluated: 2025-08-27. Review status: criteria provided, single submitter. Criteria: Ambry Variant Classification Scheme 2023. Collection method: clinical testing. Allele origin: germline.

Fulgent Genetics
Classification: Uncertain significance for Lymphangiomyomatosis; Isolated focal cortical dysplasia type II; Tuberous sclerosis 2. Last evaluated: 2024-06-03. Review status: criteria provided, single submitter. Criteria: ACMG Guidelines, 2015. Collection method: clinical testing. Allele origin: germline.

All of Us Research Program, National Institutes of Health
Classification: Uncertain significance for Tuberous sclerosis syndrome. Last evaluated: 2023-12-13. Review status: criteria provided, single submitter. Criteria: ACMG Guidelines, 2015. Collection method: clinical testing. Allele origin: germline. Inheritance: Autosomal dominant inheritance. Observed: 5 variant alleles, 5 heterozygotes.
Comment: This missense variant replaces proline with leucine at codon 94 of the TSC2 protein. Computational prediction suggests that this variant may have deleterious impact on protein structure and function (internally defined REVEL score threshold >= 0.7, PMID: 27666373). To our knowledge, functional studies have not been reported for this variant. This variant has not been reported in individuals affected with tuberous sclerosis complex in the literature. This variant has not been identified in the general population by the Genome Aggregation Database (gnomAD). The available evidence is insufficient to determine the role of this variant in disease conclusively. Therefore, this variant is classified as a Variant of Uncertain Significance.

This study involves interpretation of variants in research participants for the purpose of population health screening. Participant phenotype was not available at the time of variant classification. Additional details can be found in publication PMID: 35346344, PMCID: PMC8962531

GeneDx
Classification: Uncertain significance. Last evaluated: 2021-06-17. Review status: criteria provided, single submitter. Criteria: GeneDx Variant Classification Process June 2021. Collection method: clinical testing. Allele origin: germline. Affected: yes.
Comment: Not observed at significant frequency in large population cohorts (Lek et al., 2016); In silico analysis supports that this missense variant has a deleterious effect on protein structure/function; Has not been previously published as pathogenic or benign to our knowledge; This variant is associated with the following publications: (PMID: 18466115, 27535533, 28191889)

PreventionGenetics, part of Exact Sciences
Classification: Uncertain significance for TSC2-related condition. Last evaluated: 2023-12-01. Review status: no assertion criteria provided. Collection method: clinical testing. Allele origin: germline. Not counted in ClinVar's aggregate classification.
Comment: The TSC2 c.281C>T variant is predicted to result in the amino acid substitution p.Pro94Leu. This variant was identified in a large cohort study looking at neurodevelopmental disorder risk genes (Stessman et al. 2017. PubMed ID: 28191889). This variant has not been reported in a large population database, indicating this variant is rare. At this time, the clinical significance of this variant is uncertain due to the absence of conclusive functional and genetic evidence.